The following is an entry in ClinVar:

ClinVar aggregate classification (germline): Uncertain significance. Review status: criteria provided, multiple submitters, no conflicts (2 of 4 stars). 3 submissions from 3 submitters: Uncertain significance (3). Last evaluated 2025-06-23.

Conditions:
CEP164-related disorder. Also called: CEP164-related condition.
Nephronophthisis 15 (NPHP15). Identifiers: Orphanet 3156, MedGen C3541853, MONDO:0013917, OMIM 614845.

Allele frequency attached by ClinVar (database versions not stated): gnomAD 0.00001 and 0.00002; gnomAD exomes 0.00001; ExAC 0.00002; TOPMed 0.00003; 1000 Genomes Project 0.00020; 1000 Genomes Project 30x 0.00031.
gnomAD v4.1: 6 of 1,614,144 alleles (0.00037%); highest among the groups gnomAD compares: African/African-American, 0.0027%; no homozygotes.

Submissions (3):

PreventionGenetics, part of Exact Sciences
Classification: Uncertain significance for CEP164-related condition. Last evaluated: 2025-06-23. Review status: criteria provided, single submitter. Criteria: ACMG Guidelines, 2015. Collection method: clinical testing. Allele origin: germline.
Comment: The CEP164 c.2414C>T variant is predicted to result in the amino acid substitution p.Ala805Val. To our knowledge, this variant has not been reported in the literature. This variant is reported in 0.0062% of alleles in individuals of African descent in gnomAD. At this time, the clinical significance of this variant is uncertain due to the absence of conclusive functional and genetic evidence.

Fulgent Genetics
Classification: Uncertain significance for Nephronophthisis 15. Last evaluated: 2024-03-18. Review status: criteria provided, single submitter. Criteria: ACMG Guidelines, 2015. Collection method: clinical testing. Allele origin: germline.

Labcorp Genetics (formerly Invitae), Labcorp
Classification: Uncertain significance for Nephronophthisis 15. Last evaluated: 2022-08-23. Review status: criteria provided, single submitter. Criteria: Invitae Variant Classification Sherloc (09022015). Collection method: clinical testing. Allele origin: germline.
Comment: This sequence change replaces alanine, which is neutral and non-polar, with valine, which is neutral and non-polar, at codon 805 of the CEP164 protein (p.Ala805Val). This variant is present in population databases (rs555087707, gnomAD 0.007%). This variant has not been reported in the literature in individuals affected with CEP164-related conditions. ClinVar contains an entry for this variant (Variation ID: 1416179). Algorithms developed to predict the effect of missense changes on protein structure and function are either unavailable or do not agree on the potential impact of this missense change (SIFT: "Deleterious"; PolyPhen-2: "Benign"; Align-GVGD: "Class C0"). In summary, the available evidence is currently insufficient to determine the role of this variant in disease. Therefore, it has been classified as a Variant of Uncertain Significance.

NM_014956.5(CEP164):c.2414C>T (p.Ala805Val)

Gene: CEP164 (centrosomal protein 164; plus strand). Cytogenetic location: 11q23.3.
Variant type: single nucleotide variant.
Coding change: c.2414C>T on transcript NM_014956.5 (MANE Select); coding-DNA position 2414, C replaced by T.
Protein change: p.Ala805Val; replaces alanine 805 with valine.
Molecular consequence: missense variant.
Genome position (GRCh38, 1-based): chr11:117,392,548, C>T. VCF-style: chr11-117392548-C-T. GRCh37 (hg19) VCF-style: chr11-117263264-C-T.
Other names: c.2423C>T, p.Ala808Val (NM_001271933.2); c.2414C>T (NM_014956.4); short protein forms A805V, A808V.
Identifiers: ClinVar variation 1416179 (VCV001416179.5), dbSNP rs555087707, ClinGen allele CA6295060.